The following is an entry in ClinVar:

ClinVar aggregate classification (germline): Conflicting classifications of pathogenicity. Review status: criteria provided, conflicting classifications (1 of 4 stars). 8 submissions from 8 submitters: Uncertain significance (1); Benign (4); Likely benign (3). Last evaluated 2026-02-01.

Conditions:
Nephrotic syndrome, type 3 (NPHS3). Also called: NEPHROTIC SYNDROME, EARLY-ONSET, TYPE 3. Identifiers: Orphanet 656, MedGen C1853124, MONDO:0012546, OMIM 610725.
Kidney disorder. Also called: Kidney disease; Kidney Diseases; renal disorder; Nephropathy; renal disease. Identifiers: MedGen C0022658, MONDO:0005240, HP:0000112.

Allele frequency attached by ClinVar (database versions not stated): gnomAD exomes 0.00308; ExAC 0.00365; gnomAD 0.01218 and 0.01296; ESP Exome Variant Server 0.01294; 1000 Genomes Project 0.01398; TOPMed 0.01420; 1000 Genomes Project 30x 0.01624.
gnomAD v4.1: 3,774 of 1,614,086 alleles (0.23%); highest among the groups gnomAD compares: African/African-American, 4.3%; 93 homozygotes.

Submissions (8):

Labcorp Genetics (formerly Invitae), Labcorp
Classification: Benign. Last evaluated: 2026-02-01. Review status: criteria provided, single submitter. Criteria: Invitae Variant Classification Sherloc (09022015). Collection method: clinical testing. Allele origin: germline.

Blueprint Genetics
Classification: Likely benign. Last evaluated: 2024-11-26. Review status: criteria provided, single submitter. Criteria: ACMG Guidelines, 2015. Collection method: clinical testing. Allele origin: germline.

Mayo Clinic Laboratories, Mayo Clinic
Classification: Benign. Last evaluated: 2023-06-13. Review status: criteria provided, single submitter. Criteria: ACMG Guidelines, 2015. Collection method: clinical testing. Allele origin: germline. Observed: 2 variant alleles.
Comment: BS1, BS2

GeneDx
Classification: Benign. Last evaluated: 2021-05-24. Review status: criteria provided, single submitter. Criteria: GeneDx Variant Classification Process June 2021. Collection method: clinical testing. Allele origin: germline. Affected: yes.
Comment: This variant is associated with the following publications: (PMID: 20591883)

Illumina Laboratory Services, Illumina
Classification: Likely benign for Nephrotic syndrome, type 3. Last evaluated: 2017-04-28. Review status: criteria provided, single submitter. Criteria: ICSL Variant Classification Criteria 13 December 2019. Collection method: clinical testing. Allele origin: germline.
Comment: This variant was observed as part of a predisposition screen in an ostensibly healthy population. A literature search was performed for the gene, cDNA change, and amino acid change (where applicable). No publications were found based on this search. Allele frequency data from public databases allowed determination this variant is unlikely to cause disease. Therefore, this variant is classified as likely benign.

Genome Diagnostics Laboratory, The Hospital for Sick Children
Classification: Uncertain significance for Kidney disorder. Last evaluated: 2016-12-12. Review status: criteria provided, single submitter. Criteria: ACMG Guidelines, 2015. Collection method: clinical testing. Allele origin: germline.

Breakthrough Genomics
Classification: Likely benign. Review status: criteria provided, single submitter. Criteria: ACMG Guidelines, 2015. Collection method: not provided. Allele origin: germline. Inheritance: Autosomal recessive inheritance. Affected: yes.

PreventionGenetics, part of Exact Sciences
Classification: Benign. Review status: criteria provided, single submitter. Criteria: ACMG Guidelines, 2015. Collection method: clinical testing. Allele origin: germline.

Literature cited by the submitters: PubMed 20591883 (cited by Mayo Clinic Laboratories, Mayo Clinic); PubMed 22865593 (cited by Mayo Clinic Laboratories, Mayo Clinic).

NM_016341.4(PLCE1):c.5669C>T (p.Pro1890Leu)

Gene: PLCE1 (phospholipase C epsilon 1; plus strand). Cytogenetic location: 10q23.33.
Variant type: single nucleotide variant.
Coding change: c.5669C>T on transcript NM_016341.4 (MANE Select); coding-DNA position 5669, C replaced by T.
Protein change: p.Pro1890Leu; replaces proline 1890 with leucine.
Molecular consequence: missense variant.
Genome position (GRCh38, 1-based): chr10:94,306,473, C>T. VCF-style: chr10-94306473-C-T. GRCh37 (hg19) VCF-style: chr10-96066230-C-T.
Other names: p.Pro1890Leu; c.4745C>T, p.Pro1582Leu (NM_001165979.2); c.5621C>T, p.Pro1874Leu (NM_001288989.2); short protein forms P1890L, P1874L, P1582L.
Identifiers: ClinVar variation 260726 (VCV000260726.22), dbSNP rs58539480, ClinGen allele CA5613405.